The following is an entry in ClinVar:

NM_000540.3(RYR1):c.5193T>C (p.Ser1731=)

Gene: RYR1 (ryanodine receptor 1; plus strand). Cytogenetic location: 19q13.2.
Variant type: single nucleotide variant.
Coding change: c.5193T>C on transcript NM_000540.3 (MANE Select); coding-DNA position 5193, T replaced by C.
Protein change: p.Ser1731=; no amino-acid change (serine 1731 retained).
Molecular consequence: synonymous variant.
Genome position (GRCh38, 1-based): chr19:38,485,848, T>C. VCF-style: chr19-38485848-T-C. GRCh37 (hg19) VCF-style: chr19-38976488-T-C.
Other names: c.5193T>C, p.Ser1731= (NM_001042723.2).
Identifiers: ClinVar variation 2774215 (VCV002774215.3), dbSNP rs767545697, ClinGen allele CA066750.

ClinVar aggregate classification (germline): Likely benign. Review status: criteria provided, multiple submitters, no conflicts (2 of 4 stars). 2 submissions from 2 submitters: Likely benign (2). Last evaluated 2023-04-28.

Conditions:
Malignant hyperthermia, susceptibility to, 1 (MHS1). Also called: Malignant hyperthermia suceptibility 1; Anesthesia related hyperthermia; Malignant hyperpyrexia; Fulminating hyperpyrexia; Pharmacogenic myopathy; RYR1-Related Malignant Hyperthermia Susceptibility. Identifiers: Orphanet 423, MedGen C2930980, MONDO:0007783, OMIM 145600.

Allele frequency attached by ClinVar (database versions not stated): TOPMed below 0.00001; gnomAD exomes 0.00001; ExAC 0.00002.
gnomAD v4.1: 4 of 1,613,810 alleles (0.00025%); highest among the groups gnomAD compares: East Asian, 0.0022%; no homozygotes.

Submissions (2):

All of Us Research Program, National Institutes of Health
Classification: Likely benign for Malignant hyperthermia, susceptibility to, 1. Last evaluated: 2023-04-28. Review status: criteria provided, single submitter. Criteria: ACMG Guidelines, 2015. Collection method: clinical testing. Allele origin: germline. Inheritance: Autosomal dominant inheritance. Observed: 1 variant allele, 1 heterozygote.
Comment: This study involves interpretation of variants in research participants for the purpose of population health screening. Participant phenotype was not available at the time of variant classification. Additional details can be found in publication PMID: 35346344, PMCID: PMC8962531

Color Diagnostics, LLC DBA Color Health
Classification: Likely benign for Malignant hyperthermia, susceptibility to, 1. Last evaluated: 2022-11-06. Review status: criteria provided, single submitter. Criteria: ACMG Guidelines, 2015. Collection method: clinical testing. Allele origin: germline.